The following is an entry in ClinVar:

ClinVar aggregate classification (germline): Pathogenic/Likely pathogenic. Review status: criteria provided, multiple submitters, no conflicts (2 of 4 stars). 4 submissions from 4 submitters: Pathogenic (2); Likely pathogenic (1). 1 of the submissions does not count toward it. Last evaluated 2024-06-05.

Conditions:
Fraser syndrome 1 (FRASRS1). Also called: CRYPTOPHTHALMOS WITH OTHER MALFORMATIONS. Identifiers: Orphanet 2052, MedGen C4551480, MONDO:0054737, OMIM 219000.

Allele frequency attached by ClinVar (database versions not stated): gnomAD exomes below 0.00001 and 0.00001; ExAC 0.00001; TOPMed 0.00002.
gnomAD v4.1: 2 of 1,613,750 alleles (0.00012%); highest among the groups gnomAD compares: Non-Finnish European, 0.00017%; no homozygotes.

Submissions (4):

Fulgent Genetics
Classification: Pathogenic for Fraser syndrome 1. Last evaluated: 2024-06-05. Review status: criteria provided, single submitter. Criteria: ACMG Guidelines, 2015. Collection method: clinical testing. Allele origin: germline.

Baylor Genetics
Classification: Likely pathogenic for Fraser syndrome 1. Last evaluated: 2023-12-13. Review status: criteria provided, single submitter. Criteria: ACMG Guidelines, 2015. Collection method: clinical testing. Allele origin: unknown.

Labcorp Genetics (formerly Invitae), Labcorp
Classification: Pathogenic. Last evaluated: 2023-05-30. Review status: criteria provided, single submitter. Criteria: Invitae Variant Classification Sherloc (09022015). Collection method: clinical testing. Allele origin: germline.
Comment: For these reasons, this variant has been classified as Pathogenic. ClinVar contains an entry for this variant (Variation ID: 1027394). This variant has not been reported in the literature in individuals affected with FRAS1-related conditions. This variant is present in population databases (rs753263924, gnomAD 0.002%). This sequence change creates a premature translational stop signal (p.Trp1420*) in the FRAS1 gene. It is expected to result in an absent or disrupted protein product. Loss-of-function variants in FRAS1 are known to be pathogenic (PMID: 12766769, 18671281).

Institute of Medical Genetics, Medical University of Vienna
Classification: Pathogenic for Fraser syndrome 1. Last evaluated: 2021-03-10. Review status: no assertion criteria provided. Collection method: clinical testing. Allele origin: germline. Affected: yes. Not counted in ClinVar's aggregate classification.

Literature cited by the submitters: PubMed 12766769 (cited by Labcorp Genetics (formerly Invitae), Labcorp); PubMed 18671281 (cited by Labcorp Genetics (formerly Invitae), Labcorp).

NM_025074.7(FRAS1):c.4259G>A (p.Trp1420Ter)

Gene: FRAS1 (Fraser extracellular matrix complex subunit 1; plus strand). Cytogenetic location: 4q21.21.
Variant type: single nucleotide variant.
Coding change: c.4259G>A on transcript NM_025074.7 (MANE Select); coding-DNA position 4259, G replaced by A.
Protein change: p.Trp1420Ter; replaces tryptophan 1420 with a stop codon.
Molecular consequence: nonsense.
Genome position (GRCh38, 1-based): chr4:78,407,792, G>A. VCF-style: chr4-78407792-G-A. GRCh37 (hg19) VCF-style: chr4-79328946-G-A.
Other names: c.4259G>A, p.Trp1420Ter (NM_001166133.2); short protein forms W1420*.
Identifiers: ClinVar variation 1027394 (VCV001027394.6), dbSNP rs753263924, ClinGen allele CA2977139.